The following is an entry in ClinVar:

ClinVar aggregate classification (germline): Uncertain significance. Review status: criteria provided, multiple submitters, no conflicts (2 of 4 stars). 2 submissions from 2 submitters: Uncertain significance (2). Last evaluated 2025-01-28.

Conditions:
Hereditary nonpolyposis colorectal neoplasms. Identifiers: MedGen C0009405, MeSH D003123.
Hereditary cancer-predisposing syndrome. Also called: Neoplastic Syndromes, Hereditary; Tumor predisposition; Hereditary Cancer Syndrome; Hereditary neoplastic syndrome. Identifiers: Orphanet 140162, MedGen C0027672, MeSH D009386, MONDO:0015356.

Submissions (2):

Ambry Genetics
Classification: Uncertain significance for Hereditary cancer-predisposing syndrome. Last evaluated: 2025-01-28. Review status: criteria provided, single submitter. Criteria: Ambry Variant Classification Scheme 2023. Collection method: clinical testing. Allele origin: germline.
Comment: The p.F568L variant (also known as c.1702T>C), located in coding exon 4 of the MSH6 gene, results from a T to C substitution at nucleotide position 1702. The phenylalanine at codon 568 is replaced by leucine, an amino acid with highly similar properties. This amino acid position is highly conserved in available vertebrate species. In addition, this alteration is predicted to be deleterious by in silico analysis. Based on the available evidence, the clinical significance of this variant remains unclear.

Labcorp Genetics (formerly Invitae), Labcorp
Classification: Uncertain significance for Hereditary nonpolyposis colorectal neoplasms. Last evaluated: 2024-09-02. Review status: criteria provided, single submitter. Criteria: Invitae Variant Classification Sherloc (09022015). Collection method: clinical testing. Allele origin: germline.
Comment: This sequence change replaces phenylalanine, which is neutral and non-polar, with leucine, which is neutral and non-polar, at codon 568 of the MSH6 protein (p.Phe568Leu). This variant is present in population databases (rs758118126, gnomAD 0.003%). This variant has not been reported in the literature in individuals affected with MSH6-related conditions. ClinVar contains an entry for this variant (Variation ID: 1778384). Invitae Evidence Modeling of protein sequence and biophysical properties (such as structural, functional, and spatial information, amino acid conservation, physicochemical variation, residue mobility, and thermodynamic stability) has been performed for this missense variant. However, the output from this modeling did not meet the statistical confidence thresholds required to predict the impact of this variant on MSH6 protein function. In summary, the available evidence is currently insufficient to determine the role of this variant in disease. Therefore, it has been classified as a Variant of Uncertain Significance.

NM_000179.3(MSH6):c.1702T>C (p.Phe568Leu)

Gene: MSH6 (mutS homolog 6; plus strand). Cytogenetic location: 2p16.3.
Variant type: single nucleotide variant.
Coding change: c.1702T>C on transcript NM_000179.3 (MANE Select); coding-DNA position 1702, T replaced by C.
Protein change: p.Phe568Leu; replaces phenylalanine 568 with leucine.
Molecular consequence: missense variant.
Genome position (GRCh38, 1-based): chr2:47,799,685, T>C. VCF-style: chr2-47799685-T-C. GRCh37 (hg19) VCF-style: chr2-48026824-T-C.
Other names: c.1312T>C, p.Phe438Leu (NM_001281492.2); c.796T>C, p.Phe266Leu (NM_001281493.2, NM_001281494.2, NM_001406811.1 and 6 more transcripts); c.1798T>C, p.Phe600Leu (NM_001406795.1, NM_001406802.1); c.1702T>C, p.Phe568Leu (NM_001406796.1, NM_001406798.1, NM_001406800.1 and 3 more transcripts); c.1405T>C, p.Phe469Leu (NM_001406797.1, NM_001406801.1, NM_001406805.1 and 10 more transcripts); c.1177T>C, p.Phe393Leu (NM_001406799.1, NM_001406806.1, NM_001406807.1); c.1624T>C, p.Phe542Leu (NM_001406804.1); c.1708T>C, p.Phe570Leu (NM_001406813.1); and 1 more; short protein forms F266L, F542L, F568L, F438L, F512L, F469L, F570L, F393L.
Identifiers: ClinVar variation 1778384 (VCV001778384.8), dbSNP rs758118126, ClinGen allele CA068037.